The following is an entry in ClinVar:

ClinVar aggregate classification (germline): Pathogenic (1 of 4 stars; one submission).

Conditions:
Hereditary breast ovarian cancer syndrome. Also called: BRCA1- and BRCA2-Associated Hereditary Breast and Ovarian Cancer; Hereditary breast and/or ovarian cancer syndrome; Hereditary breast and ovarian cancer syndrome; Hereditary breast and ovarian cancer syndrome (HBOC); Breast and ovarian cancer; Hereditary breast and ovarian cancer. Identifiers: Orphanet 145, MedGen C0677776, MeSH D061325, MONDO:0003582. Disease mechanism: loss of function.

Submission:

Labcorp Genetics (formerly Invitae), Labcorp
Classification: Pathogenic for Hereditary breast ovarian cancer syndrome. Last evaluated: 2025-06-24. Review status: criteria provided, single submitter. Criteria: Invitae Variant Classification Sherloc (09022015). Collection method: clinical testing. Allele origin: germline.
Comment: This sequence change creates a premature translational stop signal (p.Tyr2624Ilefs*24) in the BRCA2 gene. It is expected to result in an absent or disrupted protein product. Loss-of-function variants in BRCA2 are known to be pathogenic (PMID: 20104584). This variant is not present in population databases (gnomAD no frequency). This variant has not been reported in the literature in individuals affected with BRCA2-related conditions. ClinVar contains an entry for this variant (Variation ID: 3638787). For these reasons, this variant has been classified as Pathogenic.

Literature cited by the submitters: PubMed 20104584.

NM_000059.4(BRCA2):c.7870del (p.Tyr2624fs)

Gene: BRCA2 (BRCA2 DNA repair associated; plus strand). Cytogenetic location: 13q13.1.
Variant type: Deletion.
Coding change: c.7870del on transcript NM_000059.4 (MANE Select); coding-DNA position 7870, one base deleted (T; older notation c.7870delT).
Protein change: p.Tyr2624fs; shifts the reading frame from tyrosine 2624.
Molecular consequence: frameshift variant. On other transcripts: non-coding transcript variant (1).
Genome position (GRCh38, 1-based): chr13:32,362,587, T deleted. VCF-style (leftmost placement, unchanged base first): chr13-32362586-CT-C. GRCh37 (hg19) VCF-style: chr13-32936723-CT-C.
Other names: c.7774del, p.Tyr2592fs (NM_001406719.1); c.7870del, p.Tyr2624fs (NM_001406720.1, NM_001432077.1); c.2938del, p.Tyr980fs (NM_001406721.1); c.1453del, p.Tyr485fs (NM_001406722.1); short protein forms Y2624fs, Y485fs, Y2592fs, Y980fs.
Identifiers: ClinVar variation 3638787 (VCV003638787.2).